The following is an entry in ClinVar:

NM_001197104.2(KMT2A):c.2885T>G (p.Ile962Arg)

Gene: KMT2A (lysine methyltransferase 2A; plus strand). Cytogenetic location: 11q23.3.
Variant type: single nucleotide variant.
Coding change: c.2885T>G on transcript NM_001197104.2 (MANE Select); coding-DNA position 2885, T replaced by G.
Protein change: p.Ile962Arg; replaces isoleucine 962 with arginine.
Molecular consequence: missense variant.
Genome position (GRCh38, 1-based): chr11:118,474,044, T>G. VCF-style: chr11-118474044-T-G. GRCh37 (hg19) VCF-style: chr11-118344759-T-G.
Other names: c.2984T>G, p.Ile995Arg (NM_001412597.1); c.2885T>G, p.Ile962Arg (NM_005933.4); short protein forms I995R, I962R.
Identifiers: ClinVar variation 4781938 (VCV004781938.1).
Genomic context (GRCh38, chr11:118,474,044, plus strand): 5'-GGACTGATATTACTTCTGTGACTCTTGGGGATACAACAGCTGTCAAAACCAAAATACTTA[T>G]AAAGAAAGGGAGAGGAAATCTGGAAAAAACCAACTTGGACCTCGGCCCAACTGCCCCATC-3'
Protein context (NP_001184033.1, residues 952-972): DTTAVKTKIL[Ile962Arg]KKGRGNLEKT

ClinVar aggregate classification (germline): Uncertain significance (1 of 4 stars; one submission).

Submission:

Labcorp Genetics (formerly Invitae), Labcorp
Classification: Uncertain significance. Last evaluated: 2025-10-26. Review status: criteria provided, single submitter. Criteria: Invitae Variant Classification Sherloc (09022015). Collection method: clinical testing. Allele origin: germline.
Comment: This sequence change replaces isoleucine, which is neutral and non-polar, with arginine, which is basic and polar, at codon 962 of the KMT2A protein (p.Ile962Arg). This variant is not present in population databases (gnomAD no frequency). This variant has not been reported in the literature in individuals affected with KMT2A-related conditions. Invitae Evidence Modeling of protein sequence and biophysical properties (such as structural, functional, and spatial information, amino acid conservation, physicochemical variation, residue mobility, and thermodynamic stability) indicates that this missense variant is not expected to disrupt KMT2A protein function with a negative predictive value of 95%. In summary, the available evidence is currently insufficient to determine the role of this variant in disease. Therefore, it has been classified as a Variant of Uncertain Significance.